The following is an entry in ClinVar:

ClinVar aggregate classification (germline): Uncertain significance. Review status: criteria provided, multiple submitters, no conflicts (2 of 4 stars). 4 submissions from 4 submitters: Uncertain significance (4). Last evaluated 2026-06-15.

Conditions:
Charcot-Marie-Tooth disease. Also called: Charcot-Marie-Tooth Neuropathy; Charcot-Marie-Tooth Hereditary Neuropathy. Identifiers: Orphanet 166, MedGen C0007959, MONDO:0015626.
Inborn genetic diseases. Identifiers: MedGen C0950123, MeSH D030342.
Hereditary sensory and autonomic neuropathy type 1 (HSAN1). Also called: HSAN 1; Hereditary Sensory Neuropathy Type I; HSN Type I. Identifiers: Orphanet 36386, MedGen C0020071, MONDO:0018213.

Allele frequency attached by ClinVar (database versions not stated): gnomAD exomes 0.00002 and 0.00005; ESP Exome Variant Server 0.00008; ExAC 0.00003; TOPMed 0.00003; gnomAD 0.00002.

Submissions (4):

Ambry Genetics
Classification: Uncertain significance for Inborn genetic diseases. Last evaluated: 2026-06-15. Review status: criteria provided, single submitter. Criteria: Ambry Variant Classification Scheme 2023. Collection method: clinical testing. Allele origin: germline.

GeneDx
Classification: Uncertain significance. Last evaluated: 2025-10-30. Review status: criteria provided, single submitter. Criteria: GeneDx Variant Classification Process June 2021. Collection method: clinical testing. Allele origin: germline. Affected: yes.
Comment: Reported in one individual from a cohort of patients with suspected Charcot-Marie-Tooth disease (PMID: 32376792); In silico analysis supports that this missense variant has a deleterious effect on protein structure/function; This variant is associated with the following publications: (PMID: 34103343, 32376792)

Labcorp Genetics (formerly Invitae), Labcorp
Classification: Uncertain significance for Hereditary sensory and autonomic neuropathy type 1. Last evaluated: 2025-09-16. Review status: criteria provided, single submitter. Criteria: Invitae Variant Classification Sherloc (09022015). Collection method: clinical testing. Allele origin: germline.
Comment: This sequence change replaces serine, which is neutral and polar, with leucine, which is neutral and non-polar, at codon 340 of the SPTLC1 protein (p.Ser340Leu). This variant is present in population databases (rs371203080, gnomAD 0.007%). This missense change has been observed in individual(s) with clinical features of SPTLC1-related conditions (PMID: 32376792, 34103343). ClinVar contains an entry for this variant (Variation ID: 451061). Invitae Evidence Modeling of protein sequence and biophysical properties (such as structural, functional, and spatial information, amino acid conservation, physicochemical variation, residue mobility, and thermodynamic stability) indicates that this missense variant is expected to disrupt SPTLC1 protein function with a positive predictive value of 80%. In summary, the available evidence is currently insufficient to determine the role of this variant in disease. Therefore, it has been classified as a Variant of Uncertain Significance.

Molecular Genetics Laboratory, London Health Sciences Centre
Classification: Uncertain significance for Charcot-Marie-Tooth disease. Review status: criteria provided, single submitter. Criteria: ACMG Guidelines, 2015. Collection method: clinical testing. Allele origin: germline. Affected: yes.

Literature cited by the submitters: PubMed 32376792 (cited by Labcorp Genetics (formerly Invitae), Labcorp); PubMed 34103343 (cited by Labcorp Genetics (formerly Invitae), Labcorp).

NM_006415.4(SPTLC1):c.1019C>T (p.Ser340Leu)

Gene: SPTLC1 (serine palmitoyltransferase long chain base subunit 1; minus strand). Cytogenetic location: 9q22.31.
Variant type: single nucleotide variant.
Coding change: c.1019C>T on transcript NM_006415.4 (MANE Select); coding-DNA position 1019, C replaced by T.
Protein change: p.Ser340Leu; replaces serine 340 with leucine.
Molecular consequence: missense variant.
Genome position (GRCh38, 1-based): chr9:92,047,234, G>A on the plus strand (C>T on the coding strand, the complement: SPTLC1 is on the minus strand). VCF-style: chr9-92047234-G-A. GRCh37 (hg19) VCF-style: chr9-94809516-G-A.
Other names: c.1019C>T (LRG_272t1); c.1019C>T, p.Ser340Leu (NM_001281303.2); c.653C>T, p.Ser218Leu (NM_001368272.1); c.554C>T, p.Ser185Leu (NM_001368273.1); short protein forms S340L, S185L, S218L.
Identifiers: ClinVar variation 451061 (VCV000451061.14), dbSNP rs371203080, ClinGen allele CA5121346.